The following is an entry in ClinVar:

NM_001184880.2(PCDH19):c.1019A>C (p.Asn340Thr)

Gene: PCDH19 (protocadherin 19; minus strand). Cytogenetic location: Xq22.1.
Variant type: single nucleotide variant.
Coding change: c.1019A>C on transcript NM_001184880.2 (MANE Select); coding-DNA position 1019, A replaced by C.
Protein change: p.Asn340Thr; replaces asparagine 340 with threonine.
Molecular consequence: missense variant.
Genome position (GRCh38, 1-based): chrX:100,407,579, T>G on the plus strand (A>C on the coding strand, the complement: PCDH19 is on the minus strand). VCF-style: chrX-100407579-T-G. GRCh37 (hg19) VCF-style: chrX-99662577-T-G.
Other names: c.1019A>C, p.Asn340Thr (NM_001105243.2, NM_020766.3); short protein forms N340T.
Identifiers: ClinVar variation 429996 (VCV000429996.11), dbSNP rs796052839, ClinGen allele CA414004716.
Genomic context (GRCh38, chrX:100,407,579, plus strand): 5'-TCGCTGACCTCCACAAGCTCACTGTTGACTGACAGCAGGTTGATGACCGGCGGATTGTCA[T>G]TGGTGTCCAGCACGCTGACGGTGACCTTGCAGTGTGCCGGGATGGAATTGGGCCCCAAGT-3'
Protein context (NP_001171809.1, residues 330-350): CKVTVSVLDT[Asn340Thr]DNPPVINLLS

ClinVar aggregate classification (germline): Likely pathogenic. Review status: criteria provided, multiple submitters, no conflicts (2 of 4 stars). 2 submissions from 2 submitters: Likely pathogenic (2). Last evaluated 2022-11-29.

Conditions:
Developmental and epileptic encephalopathy, 9 (DEE9). Also called: Early infantile epileptic encephalopathy 9; JUBERG-HELLMAN SYNDROME; EPILEPSY, FEMALE-RESTRICTED, WITH MENTAL RETARDATION; PCDH19-Related X-Linked Female-Limited Epilepsy with Mental Retardation. Identifiers: Orphanet 101039, Orphanet 2076, MedGen C1848137, MONDO:0010246, OMIM 300088. Disease mechanism: loss of function.

Submissions (2):

Labcorp Genetics (formerly Invitae), Labcorp
Classification: Likely pathogenic for Developmental and epileptic encephalopathy, 9. Last evaluated: 2022-11-29. Review status: criteria provided, single submitter. Criteria: Invitae Variant Classification Sherloc (09022015). Collection method: clinical testing. Allele origin: germline.
Comment: This variant has not been reported in the literature in individuals affected with PCDH19-related conditions. In summary, the currently available evidence indicates that the variant is pathogenic, but additional data are needed to prove that conclusively. Therefore, this variant has been classified as Likely Pathogenic. This variant disrupts the p.Asn340 amino acid residue in PCDH19. Other variant(s) that disrupt this residue have been determined to be pathogenic (PMID: 19214208, 20713952, 21480887, 21519002). This suggests that this residue is clinically significant, and that variants that disrupt this residue are likely to be disease-causing. Advanced modeling of protein sequence and biophysical properties (such as structural, functional, and spatial information, amino acid conservation, physicochemical variation, residue mobility, and thermodynamic stability) performed at Invitae indicates that this missense variant is expected to disrupt PCDH19 protein function. ClinVar contains an entry for this variant (Variation ID: 429996). This variant is not present in population databases (gnomAD no frequency). This sequence change replaces asparagine, which is neutral and polar, with threonine, which is neutral and polar, at codon 340 of the PCDH19 protein (p.Asn340Thr).

GeneDx
Classification: Likely pathogenic. Last evaluated: 2018-06-25. Review status: criteria provided, single submitter. Criteria: GeneDx Variant Classification (06012015). Collection method: clinical testing. Allele origin: germline. Affected: yes.
Comment: A variant that is likely pathogenic has been identified in the PCDH19 gene. The N340T variant has not been published as a pathogenic variant, nor has it been reported as a benign variant to our knowledge. A different substitution at the same position (N340S) has been reported previously multiple times in association with PCDH19-related disorders (Depienne et al., 2009; Depienne et al., 2012). The N340T variant is not observed in large population cohorts (Lek et al., 2016; 1000 Genomes Consortium et al., 2015; Exome Variant Server). This substitution occurs at a position that is conserved across species. In silico analysis predicts this variant is probably damaging to the protein structure/function. However, the N340T variant is a conservative amino acid substitution, which is not likely to impact secondary protein structure as these residues share similar properties. Therefore, this variant is likely pathogenic; however, the possibility that it is benign cannot be excluded.

Literature cited by the submitters: PubMed 19214208 (cited by Labcorp Genetics (formerly Invitae), Labcorp); PubMed 20713952 (cited by Labcorp Genetics (formerly Invitae), Labcorp); PubMed 21480887 (cited by Labcorp Genetics (formerly Invitae), Labcorp); PubMed 21519002 (cited by Labcorp Genetics (formerly Invitae), Labcorp).